The following is an entry in ClinVar:

ClinVar aggregate classification (germline): Likely pathogenic (1 of 4 stars; one submission).

Conditions:
Fanconi anemia (FA). Also called: Fanconi's anemia. Identifiers: Orphanet 84, MedGen C0015625, MeSH D005199, MONDO:0019391.

gnomAD v4.1: 1 of 1,602,098 alleles (0.000062%); highest among the groups gnomAD compares: Non-Finnish European, 0.000086%; no homozygotes.

Submission:

Labcorp Genetics (formerly Invitae), Labcorp
Classification: Likely pathogenic for Fanconi anemia. Last evaluated: 2024-03-10. Review status: criteria provided, single submitter. Criteria: Invitae Variant Classification Sherloc (09022015). Collection method: clinical testing. Allele origin: germline.
Comment: This sequence change affects a donor splice site in intron 20 of the FANCM gene. It is expected to disrupt RNA splicing. Variants that disrupt the donor or acceptor splice site typically lead to a loss of protein function (PMID: 16199547), and loss-of-function variants in FANCM are known to be pathogenic (PMID: 29895858, 30075111). This variant is not present in population databases (gnomAD no frequency). This variant has not been reported in the literature in individuals affected with FANCM-related conditions. Algorithms developed to predict the effect of sequence changes on RNA splicing suggest that this variant may disrupt the consensus splice site. In summary, the currently available evidence indicates that the variant is pathogenic, but additional data are needed to prove that conclusively. Therefore, this variant has been classified as Likely Pathogenic.

Literature cited by the submitters: PubMed 16199547; PubMed 29895858; PubMed 30075111.

NM_020937.4(FANCM):c.5340+1G>A

Gene: FANCM (FA complementation group M; plus strand). Cytogenetic location: 14q21.2.
Variant type: single nucleotide variant.
Coding change: c.5340+1G>A on transcript NM_020937.4 (MANE Select); the canonical splice donor site of the intron after coding-DNA position 5340, G replaced by A.
Molecular consequence: splice donor variant.
Genome position (GRCh38, 1-based): chr14:45,189,363, G>A. VCF-style: chr14-45189363-G-A. GRCh37 (hg19) VCF-style: chr14-45658566-G-A.
Other names: c.5262+1G>A (NM_001308133.2).
Identifiers: ClinVar variation 3644415 (VCV003644415.2).
Genomic context (GRCh38, chr14:45,189,363, plus strand): 5'-CCACCCTTCACTACTGTTGATTCACAGAAAGACTGTAGAAAATTTCCAGTTCCACAGAAG[G>A]TATGGATCAAAGAAAGGAAAAATATCTTTAGATGGTTACCAGAAGTTTTTCTTTTTCTTT-3'